The following is an entry in ClinVar:

NM_006593.4(TBR1):c.261G>A (p.Leu87=)

Gene: TBR1 (T-box brain transcription factor 1; plus strand). Cytogenetic location: 2q24.2.
Variant type: single nucleotide variant.
Coding change: c.261G>A on transcript NM_006593.4 (MANE Select); coding-DNA position 261, G replaced by A.
Protein change: p.Leu87=; no amino-acid change (leucine 87 retained).
Molecular consequence: synonymous variant.
Genome position (GRCh38, 1-based): chr2:161,416,671, G>A. VCF-style: chr2-161416671-G-A. GRCh37 (hg19) VCF-style: chr2-162273182-G-A.
Identifiers: ClinVar variation 680335 (VCV000680335.1), dbSNP rs1574148863, ClinGen allele CA429730547.

ClinVar aggregate classification (germline): Likely benign (1 of 4 stars; one submission).

Allele frequency attached by ClinVar (database versions not stated): gnomAD exomes below 0.00001.
gnomAD v4.1: 1 of 1,614,168 alleles (0.000062%); highest among the groups gnomAD compares: Non-Finnish European, 0.000085%; no homozygotes.

Submission:

GeneDx
Classification: Likely benign. Last evaluated: 2018-03-19. Review status: criteria provided, single submitter. Criteria: GeneDx Variant Classification (06012015). Collection method: clinical testing. Allele origin: germline. Affected: yes.
Comment: This variant is considered likely benign or benign based on one or more of the following criteria: it is a conservative change, it occurs at a poorly conserved position in the protein, it is predicted to be benign by multiple in silico algorithms, and/or has population frequency not consistent with disease.